The following is an entry in ClinVar:

ClinVar aggregate classification (germline): Uncertain significance (1 of 4 stars; one submission).

Submission:

GeneDx
Classification: Uncertain significance. Last evaluated: 2019-12-20. Review status: criteria provided, single submitter. Criteria: GeneDx Variant Classification Process June 2021. Collection method: clinical testing. Allele origin: germline. Affected: yes.
Comment: In-frame deletion of 2 amino acids in a non-repeat region; In silico analysis, which includes protein predictors and evolutionary conservation, supports a deleterious effect; Has not been previously published as pathogenic or benign to our knowledge

NM_001039591.3(USP9X):c.2862_2867del (p.Asn954_Leu955del)

Gene: USP9X (ubiquitin specific peptidase 9 X-linked; plus strand). Cytogenetic location: Xp11.4.
Variant type: Deletion.
Coding change: c.2862_2867del on transcript NM_001039591.3 (MANE Select); coding-DNA positions 2862 to 2867, 6 bases deleted (CTTAAA; older notation c.2862_2867delCTTAAA).
Protein change: p.Asn954_Leu955del.
Molecular consequence: inframe deletion.
Genome position (GRCh38, 1-based): chrX:41,170,220-41,170,225, CTTAAA deleted; deleting any 6 consecutive bases within chrX:41,170,215-41,170,225 gives the same sequence; the c. name uses the placement nearest the transcript's 3' end. VCF-style (leftmost placement, unchanged base first): chrX-41170214-ATTAAAC-A. GRCh37 (hg19) VCF-style: chrX-41029467-ATTAAAC-A.
Other names: c.2862_2867del, p.Asn954_Leu955del (NM_001039590.3).
Identifiers: ClinVar variation 1311419 (VCV001311419.2), dbSNP rs753147685, ClinGen allele CA10388601.